The following is an entry in ClinVar:

ClinVar aggregate classification (germline): Uncertain significance (1 of 4 stars; one submission).

Allele frequency attached by ClinVar (database versions not stated): gnomAD exomes below 0.00001.

Submission:

GeneDx
Classification: Uncertain significance. Last evaluated: 2022-02-07. Review status: criteria provided, single submitter. Criteria: GeneDx Variant Classification Process June 2021. Collection method: clinical testing. Allele origin: germline. Affected: yes.
Comment: Has not been previously published as pathogenic or benign to our knowledge; Not observed at significant frequency in large population cohorts (gnomAD); In silico analysis supports that this missense variant does not alter protein structure/function

NM_130468.4(CHST14):c.134T>G (p.Leu45Arg)

Genes: CHST14 (carbohydrate sulfotransferase 14; plus strand), LOC130056851 (ATAC-STARR-seq lymphoblastoid silent region 6336; plus strand). Cytogenetic location: 15q15.1.
Variant type: single nucleotide variant.
Coding change: c.134T>G on transcript NM_130468.4 (MANE Select); coding-DNA position 134, T replaced by G.
Protein change: p.Leu45Arg; replaces leucine 45 with arginine.
Molecular consequence: missense variant.
Genome position (GRCh38, 1-based): chr15:40,471,347, T>G. VCF-style: chr15-40471347-T-G. GRCh37 (hg19) VCF-style: chr15-40763546-T-G.
Other names: short protein forms L45R.
Identifiers: ClinVar variation 1341603 (VCV001341603.2), dbSNP rs2141570409, ClinGen allele CA391763799.